The following is an entry in ClinVar:

ClinVar aggregate classification (germline): Uncertain significance (1 of 4 stars; one submission).

Submission:

Labcorp Genetics (formerly Invitae), Labcorp
Classification: Uncertain significance. Last evaluated: 2023-01-17. Review status: criteria provided, single submitter. Criteria: Invitae Variant Classification Sherloc (09022015). Collection method: clinical testing. Allele origin: germline.
Comment: In summary, the available evidence is currently insufficient to determine the role of this variant in disease. Therefore, it has been classified as a Variant of Uncertain Significance. Algorithms developed to predict the effect of missense changes on protein structure and function are either unavailable or do not agree on the potential impact of this missense change (SIFT: "Deleterious"; PolyPhen-2: "Benign"; Align-GVGD: "Class C0"). This variant has not been reported in the literature in individuals affected with TNNI3K-related conditions. This variant is not present in population databases (gnomAD no frequency). This sequence change replaces isoleucine, which is neutral and non-polar, with phenylalanine, which is neutral and non-polar, at codon 682 of the TNNI3K protein (p.Ile682Phe).

NM_015978.3(TNNI3K):c.2044A>T (p.Ile682Phe)

Genes: FPGT-TNNI3K (FPGT-TNNI3K readthrough; plus strand), TNNI3K (TNNI3 interacting kinase; plus strand). Cytogenetic location: 1p31.1.
Variant type: single nucleotide variant.
Coding change: c.2044A>T on transcript NM_015978.3 (MANE Select); coding-DNA position 2044, A replaced by T.
Protein change: p.Ile682Phe; replaces isoleucine 682 with phenylalanine.
Molecular consequence: missense variant.
Genome position (GRCh38, 1-based): chr1:74,463,473, A>T. VCF-style: chr1-74463473-A-T. GRCh37 (hg19) VCF-style: chr1-74929157-A-T.
Other names: c.2347A>T, p.Ile783Phe (NM_001199327.2, NM_001112808.3); short protein forms I783F, I682F.
Identifiers: ClinVar variation 2829417 (VCV002829417.3), dbSNP rs2524831614, ClinGen allele CA340787473.